The following is an entry in ClinVar:

ClinVar aggregate classification (germline): Uncertain significance (1 of 4 stars; one submission).

Submission:

GeneDx
Classification: Uncertain significance. Last evaluated: 2022-07-27. Review status: criteria provided, single submitter. Criteria: GeneDx Variant Classification Process June 2021. Collection method: clinical testing. Allele origin: germline. Affected: yes.
Comment: Not observed at significant frequency in large population cohorts (gnomAD); In silico analysis supports that this missense variant has a deleterious effect on protein structure/function; Has not been previously published as pathogenic or benign to our knowledge

NM_173354.5(SIK1):c.788C>T (p.Pro263Leu)

Gene: SIK1 (salt inducible kinase 1; minus strand). Cytogenetic location: 21q22.3.
Variant type: single nucleotide variant.
Coding change: c.788C>T on transcript NM_173354.5 (MANE Select); coding-DNA position 788, C replaced by T.
Protein change: p.Pro263Leu; replaces proline 263 with leucine.
Molecular consequence: missense variant.
Genome position (GRCh38, 1-based): chr21:43,420,418, G>A on the plus strand (C>T on the coding strand, the complement: SIK1 is on the minus strand). VCF-style: chr21-43420418-G-A. GRCh37 (hg19) VCF-style: chr21-44840298-G-A.
Other names: short protein forms P263L.
Identifiers: ClinVar variation 2413021 (VCV002413021.3), dbSNP rs2516966890, ClinGen allele CA410609401.